The following is an entry in ClinVar:

NM_022114.4(PRDM16):c.2611G>A (p.Glu871Lys)

Gene: PRDM16 (PR/SET domain 16; plus strand). Cytogenetic location: 1p36.32.
Variant type: single nucleotide variant.
Coding change: c.2611G>A on transcript NM_022114.4 (MANE Select); coding-DNA position 2611, G replaced by A.
Protein change: p.Glu871Lys; replaces glutamic acid 871 with lysine.
Molecular consequence: missense variant.
Genome position (GRCh38, 1-based): chr1:3,414,567, G>A. VCF-style: chr1-3414567-G-A. GRCh37 (hg19) VCF-style: chr1-3331131-G-A.
Other names: c.2611G>A, p.Glu871Lys (NM_199454.3); short protein forms E871K.
Identifiers: ClinVar variation 2580982 (VCV002580982.1), dbSNP rs749811828, ClinGen allele CA544546.

ClinVar aggregate classification (germline): Uncertain significance (1 of 4 stars; one submission).

Conditions:
Left ventricular noncompaction 8 (LVNC8). Identifiers: Orphanet 154, Orphanet 54260, MedGen C3809288, MONDO:0014152, OMIM 615373.

Allele frequency attached by ClinVar (database versions not stated): gnomAD exomes 0.00001; ExAC 0.00003.
gnomAD v4.1: 4 of 1,613,244 alleles (0.00025%); highest among the groups gnomAD compares: Non-Finnish European, 0.00034%; no homozygotes.

Submission:

Dr. med. U. Finckh, Human Genetics, Eurofins MVZ
Classification: Uncertain significance for Left ventricular noncompaction 8. Last evaluated: 2020-07-09. Review status: criteria provided, single submitter. Criteria: ACMG Guidelines, 2015. Collection method: clinical testing. Allele origin: unknown. Observed: 1 heterozygote.